The following is an entry in ClinVar:

NM_000092.5(COL4A4):c.1770A>C (p.Gly590=)

Gene: COL4A4 (collagen type IV alpha 4 chain; minus strand). Cytogenetic location: 2q36.3.
Variant type: single nucleotide variant.
Coding change: c.1770A>C on transcript NM_000092.5 (MANE Select); coding-DNA position 1770, A replaced by C.
Protein change: p.Gly590=; no amino-acid change (glycine 590 retained).
Molecular consequence: synonymous variant.
Genome position (GRCh38, 1-based): chr2:227,080,476, T>G on the plus strand (A>C on the coding strand, the complement: COL4A4 is on the minus strand). VCF-style: chr2-227080476-T-G. GRCh37 (hg19) VCF-style: chr2-227945192-T-G.
Identifiers: ClinVar variation 3363739 (VCV003363739.1).
Genomic context (GRCh38, chr2:227,080,476, plus strand): 5'-CTATAGCAAGAGAAGAATTCTACATACTGGAGGTCCTGGATCCCCTTTTTCTCCAGCATG[T>G]CCATCCCGACCATGTGATCCTGGCTGCCCTGGAAATCCTGGGGGCCCATCAGGACCTCTT-3'
Protein context (NP_000083.3, residues 580-600): PGQPGSHGRD[Gly590=]HAGEKGDPGP

ClinVar aggregate classification (germline): Uncertain significance (1 of 4 stars; one submission).

Submission:

GeneDx
Classification: Uncertain significance. Last evaluated: 2023-11-01. Review status: criteria provided, single submitter. Criteria: GeneDx Variant Classification Process June 2021. Collection method: clinical testing. Allele origin: germline. Affected: yes.
Comment: Not observed at significant frequency in large population cohorts (gnomAD); In silico analysis supports that this variant does not alter splicing; Has not been previously published as pathogenic or benign to our knowledge